The following is an entry in ClinVar:

ClinVar aggregate classification (germline): Uncertain significance (1 of 4 stars; one submission).

Conditions:
Gorlin syndrome. Also called: Nevoid Basal Cell Carcinoma Syndrome; Basal cell nevus syndrome. Identifiers: Orphanet 377, MedGen C0004779, MONDO:0007187.
Medulloblastoma (MDB). Also called: Medulloblastoma, somatic; MEDULLOBLASTOMA PREDISPOSITION SYNDROME. Identifiers: Orphanet 616, MedGen C0025149, MeSH D008527, MONDO:0007959, OMIM 155255, HP:0002885.

Submission:

Labcorp Genetics (formerly Invitae), Labcorp
Classification: Uncertain significance for Gorlin syndrome; Medulloblastoma. Last evaluated: 2025-12-08. Review status: criteria provided, single submitter. Criteria: Invitae Variant Classification Sherloc (09022015). Collection method: clinical testing. Allele origin: germline.
Comment: This sequence change falls in intron 3 of the SUFU gene. It does not directly change the encoded amino acid sequence of the SUFU protein. It affects a nucleotide within the consensus splice site. This variant is not present in population databases (gnomAD no frequency). This variant has not been reported in the literature in individuals affected with SUFU-related conditions. Variants that disrupt the consensus splice site are a relatively common cause of aberrant splicing (PMID: 17576681, 9536098). Algorithms developed to predict the effect of sequence changes on RNA splicing suggest that this variant may disrupt the consensus splice site. In summary, the available evidence is currently insufficient to determine the role of this variant in disease. Therefore, it has been classified as a Variant of Uncertain Significance.

Literature cited by the submitters: PubMed 17576681; PubMed 9536098.

NM_016169.4(SUFU):c.454+5G>A

Gene: SUFU (SUFU negative regulator of hedgehog signaling; plus strand). Cytogenetic location: 10q24.32.
Variant type: single nucleotide variant.
Coding change: c.454+5G>A on transcript NM_016169.4 (MANE Select); 5 bases into the intron after coding-DNA position 454, G replaced by A.
Molecular consequence: intron variant.
Genome position (GRCh38, 1-based): chr10:102,550,111, G>A. VCF-style: chr10-102550111-G-A. GRCh37 (hg19) VCF-style: chr10-104309868-G-A.
Other names: c.454+5G>A (NM_001178133.2).
Identifiers: ClinVar variation 4786907 (VCV004786907.1).